The following is an entry in ClinVar:

ClinVar aggregate classification (germline): Pathogenic (1 of 4 stars; one submission).

Conditions:
Glanzmann thrombasthenia 2. Also called: BLEEDING DISORDER, PLATELET-TYPE, 23. Identifiers: MedGen C5543273, MONDO:0031009, OMIM 619267.

Submission:

3billion
Classification: Pathogenic for Glanzmann thrombasthenia 2. Last evaluated: 2025-12-17. Review status: criteria provided, single submitter. Criteria: ACMG Guidelines, 2015. Collection method: clinical testing. Allele origin: germline. Affected: yes.
Comment: The variant is not observed in the gnomAD v4.1.0 dataset. Predicted Consequence/Location: Frameshift: predicted to result in a loss or disruption of normal protein function through nonsense-mediated decay (NMD) or protein truncation. Multiple pathogenic variants are reported downstream of the variant. Therefore, this variant is classified as Pathogenic according to the recommendation of ACMG/AMP guideline.

NM_000212.3(ITGB3):c.1528del (p.Asp510fs)

Gene: ITGB3 (integrin subunit beta 3; plus strand). Cytogenetic location: 17q21.32.
Variant type: Deletion.
Coding change: c.1528del on transcript NM_000212.3 (MANE Select); coding-DNA position 1528, one base deleted (G; older notation c.1528delG).
Protein change: p.Asp510fs; shifts the reading frame from aspartic acid 510.
Molecular consequence: frameshift variant.
Genome position (GRCh38, 1-based): chr17:47,292,406, G deleted; the last of 2 consecutive G bases (chr17:47,292,405-47,292,406); deleting either gives the same sequence. VCF-style (leftmost placement, unchanged base first): chr17-47292404-AG-A. GRCh37 (hg19) VCF-style: chr17-45369770-AG-A.
Other names: short protein forms D510fs.
Identifiers: ClinVar variation 4854688 (VCV004854688.1).